The following is an entry in ClinVar:

NM_005068.3(SIM1):c.2104C>T (p.His702Tyr)

Gene: SIM1 (SIM bHLH transcription factor 1; minus strand). Cytogenetic location: 6q16.3.
Variant type: single nucleotide variant.
Coding change: c.2104C>T on transcript NM_005068.3 (MANE Select); coding-DNA position 2104, C replaced by T.
Protein change: p.His702Tyr; replaces histidine 702 with tyrosine.
Molecular consequence: missense variant.
Genome position (GRCh38, 1-based): chr6:100,390,558, G>A on the plus strand (C>T on the coding strand, the complement: SIM1 is on the minus strand). VCF-style: chr6-100390558-G-A. GRCh37 (hg19) VCF-style: chr6-100838434-G-A.
Other names: c.2104C>T, p.His702Tyr (NM_001374769.1); short protein forms H702Y.
Identifiers: ClinVar variation 4986788 (VCV004986788.1).

ClinVar aggregate classification (germline): Uncertain significance (1 of 4 stars; one submission).

Conditions:
SIM1-related disorder. Also called: SIM1-related disorders; SIM1-related condition.

gnomAD v4.1: 3 of 1,614,070 alleles (0.00019%); highest among the groups gnomAD compares: East Asian, 0.0045%; no homozygotes.

Submission:

PreventionGenetics, part of Exact Sciences
Classification: Uncertain significance for SIM1-related condition. Last evaluated: 2025-03-11. Review status: criteria provided, single submitter. Criteria: ACMG Guidelines, 2015. Collection method: clinical testing. Allele origin: germline.
Comment: The SIM1 c.2104C>T variant is predicted to result in the amino acid substitution p.His702Tyr. To our knowledge, this variant has not been reported in the literature. This variant is reported in 0.027% of alleles in individuals of East Asian descent in gnomAD. At this time, the clinical significance of this variant is uncertain due to the absence of conclusive functional and genetic evidence.